The following is an entry in ClinVar:

ClinVar aggregate classification (germline): Uncertain significance. Review status: criteria provided, multiple submitters, no conflicts (2 of 4 stars). 2 submissions from 2 submitters: Uncertain significance (2). Last evaluated 2025-10-26.

Conditions:
Hereditary nonpolyposis colorectal neoplasms. Identifiers: MedGen C0009405, MeSH D003123.
Hereditary cancer-predisposing syndrome. Also called: Neoplastic Syndromes, Hereditary; Tumor predisposition; Hereditary neoplastic syndrome; Hereditary Cancer Syndrome. Identifiers: Orphanet 140162, MedGen C0027672, MeSH D009386, MONDO:0015356.

Allele frequency attached by ClinVar (database versions not stated): gnomAD exomes below 0.00001.
gnomAD v4.1: 2 of 1,614,118 alleles (0.00012%); highest among the groups gnomAD compares: Admixed American, 0.0017%; no homozygotes.

Submissions (2):

Labcorp Genetics (formerly Invitae), Labcorp
Classification: Uncertain significance for Hereditary nonpolyposis colorectal neoplasms. Last evaluated: 2025-10-26. Review status: criteria provided, single submitter. Criteria: Invitae Variant Classification Sherloc (09022015). Collection method: clinical testing. Allele origin: germline.
Comment: This sequence change replaces glycine, which is neutral and non-polar, with arginine, which is basic and polar, at codon 525 of the PMS2 protein (p.Gly525Arg). This variant is present in population databases (no rsID available, gnomAD 0.003%). This variant has not been reported in the literature in individuals affected with PMS2-related conditions. ClinVar contains an entry for this variant (Variation ID: 568030). Invitae Evidence Modeling incorporating data from in vitro experimental studies (internal data) indicates that this missense variant is not expected to disrupt PMS2 function with a negative predictive value of 95%. In summary, the available evidence is currently insufficient to determine the role of this variant in disease. Therefore, it has been classified as a Variant of Uncertain Significance.

Ambry Genetics
Classification: Uncertain significance for Hereditary cancer-predisposing syndrome. Last evaluated: 2022-12-27. Review status: criteria provided, single submitter. Criteria: Ambry Variant Classification Scheme 2023. Collection method: clinical testing. Allele origin: germline.
Comment: The p.G525R variant (also known as c.1573G>A), located in coding exon 11 of the PMS2 gene, results from a G to A substitution at nucleotide position 1573. The glycine at codon 525 is replaced by arginine, an amino acid with dissimilar properties. This amino acid position is conserved. In addition, this alteration is predicted to be tolerated by in silico analysis. Since supporting evidence is limited at this time, the clinical significance of this alteration remains unclear.

NM_000535.7(PMS2):c.1573G>A (p.Gly525Arg)

Gene: PMS2 (PMS1 homolog 2, mismatch repair system component; minus strand). Cytogenetic location: 7p22.1.
Variant type: single nucleotide variant.
Coding change: c.1573G>A on transcript NM_000535.7 (MANE Select); coding-DNA position 1573, G replaced by A.
Protein change: p.Gly525Arg; replaces glycine 525 with arginine.
Molecular consequence: missense variant. On other transcripts: non-coding transcript variant (1).
Genome position (GRCh38, 1-based): chr7:5,987,192, C>T on the plus strand (G>A on the coding strand, the complement: PMS2 is on the minus strand). VCF-style: chr7-5987192-C-T. GRCh37 (hg19) VCF-style: chr7-6026823-C-T.
Other names: c.1168G>A, p.Gly390Arg (NM_001322003.2, NM_001322004.2, NM_001322005.2 and 1 more transcripts); c.1417G>A, p.Gly473Arg (NM_001322006.2); c.1255G>A, p.Gly419Arg (NM_001322007.2, NM_001322008.2); c.1012G>A, p.Gly338Arg (NM_001322010.2); c.640G>A, p.Gly214Arg (NM_001322011.2, NM_001322012.2); c.1000G>A, p.Gly334Arg (NM_001322013.2); c.1573G>A, p.Gly525Arg (NM_001322014.2); c.1264G>A, p.Gly422Arg (NM_001322015.2); short protein forms G525R, G334R, G422R, G473R, G214R, G338R, G390R, G419R.
Identifiers: ClinVar variation 568030 (VCV000568030.10), dbSNP rs1265449448, ClinGen allele CA366741564.